The following is an entry in ClinVar:

ClinVar aggregate classification (germline): Uncertain significance (1 of 4 stars; one submission).

Allele frequency attached by ClinVar (database versions not stated): ExAC 0.00001; gnomAD 0.00001; gnomAD exomes 0.00001; TOPMed 0.00001.
gnomAD v4.1: 7 of 1,614,114 alleles (0.00043%); highest among the groups gnomAD compares: Admixed American, 0.012%; no homozygotes.

Submission:

Labcorp Genetics (formerly Invitae), Labcorp
Classification: Uncertain significance. Last evaluated: 2024-01-13. Review status: criteria provided, single submitter. Criteria: Invitae Variant Classification Sherloc (09022015). Collection method: clinical testing. Allele origin: germline.
Comment: This sequence change replaces glutamine, which is neutral and polar, with arginine, which is basic and polar, at codon 981 of the NIN protein (p.Gln981Arg). This variant is present in population databases (rs762496177, gnomAD 0.006%). This variant has not been reported in the literature in individuals affected with NIN-related conditions. Algorithms developed to predict the effect of missense changes on protein structure and function output the following: SIFT: "Not Available"; PolyPhen-2: "Benign"; Align-GVGD: "Not Available". The arginine amino acid residue is found in multiple mammalian species, which suggests that this missense change does not adversely affect protein function. In summary, the available evidence is currently insufficient to determine the role of this variant in disease. Therefore, it has been classified as a Variant of Uncertain Significance.

NM_020921.4(NIN):c.2942A>G (p.Gln981Arg)

Gene: NIN (ninein; minus strand). Cytogenetic location: 14q22.1.
Variant type: single nucleotide variant.
Coding change: c.2942A>G on transcript NM_020921.4 (MANE Select); coding-DNA position 2942, A replaced by G.
Protein change: p.Gln981Arg; replaces glutamine 981 with arginine.
Molecular consequence: missense variant. On other transcripts: intron variant (1).
Genome position (GRCh38, 1-based): chr14:50,758,088, T>C on the plus strand (A>G on the coding strand, the complement: NIN is on the minus strand). VCF-style: chr14-50758088-T-C. GRCh37 (hg19) VCF-style: chr14-51224806-T-C.
Other names: c.2942A>G, p.Gln981Arg (NM_182944.3, NM_182946.2); c.2399+1769A>G (NM_016350.5); short protein forms Q981R.
Identifiers: ClinVar variation 2894437 (VCV002894437.3), dbSNP rs762496177, ClinGen allele CA7181833.